The following is an entry in ClinVar:

ClinVar aggregate classification (germline): Likely pathogenic (1 of 4 stars; one submission).

Submission:

Genetic Services Laboratory, University of Chicago
Classification: Likely pathogenic. Last evaluated: 2024-11-20. Review status: criteria provided, single submitter. Criteria: ACMG Guidelines, 2015. Collection method: clinical testing. Allele origin: germline. Affected: yes.
Comment: DNA sequence analysis of theENG gene demonstrated a single base pair deletion in exon 9, c.1183del. This sequence change results in an amino acid frameshift and creates a premature stop codon 25 amino acids downstream of the change, p.Glu395Argfs*26. This sequence change is predicted to result in an abnormal transcript, which may be degraded, or may lead to the production of a truncated ENG protein with potentially abnormal function. While this deletion has not previously been described in the literature, truncating variants in the ENG gene have been described in several individuals with ENG-related disorders (PMID: 15879500, 17384219, 34872578). The c.1183del sequence change has not been described in population databases such as ExAC and gnomAD. This sequence change likely pathogenic, however functional studies have not been performed to prove this conclusively.

NM_001114753.3(ENG):c.1183del (p.Glu395fs)

Genes: ENG (endoglin; minus strand), LOC102723566 (uncharacterized LOC102723566; plus strand). Cytogenetic location: 9q34.11.
Variant type: Deletion.
Coding change: c.1183del on transcript NM_001114753.3 (MANE Select); coding-DNA position 1183, one base deleted (G; older notation c.1183delG).
Protein change: p.Glu395fs; shifts the reading frame from glutamic acid 395.
Molecular consequence: frameshift variant.
Genome position (GRCh38, 1-based): chr9:127,819,989, C deleted on the plus strand (G on the coding strand, the reverse complement: ENG is on the minus strand). VCF-style (leftmost placement, unchanged base first): chr9-127819988-TC-T. GRCh37 (hg19) VCF-style: chr9-130582267-TC-T.
Other names: c.1183delG, p.Glu395Argfs (NM_000118.3); c.1183del, p.Glu395fs (NM_000118.4); c.637del, p.Glu213fs (NM_001278138.2); short protein forms E213fs, E395fs.
Identifiers: ClinVar variation 4082421 (VCV004082421.2).